The following is an entry in ClinVar:

NM_139058.3(ARX):c.1111del (p.Arg371fs)

Gene: ARX (aristaless related homeobox; minus strand). Cytogenetic location: Xp21.3.
Variant type: Deletion.
Coding change: c.1111del on transcript NM_139058.3 (MANE Select); coding-DNA position 1111, one base deleted (C; older notation c.1111delC).
Protein change: p.Arg371fs; shifts the reading frame from arginine 371.
Molecular consequence: frameshift variant.
Genome position (GRCh38, 1-based): chrX:25,010,268, G deleted on the plus strand (C on the coding strand, the reverse complement: ARX is on the minus strand); the first of 3 consecutive G bases (chrX:25,010,268-25,010,270); deleting any one gives the same sequence. VCF-style (leftmost placement, unchanged base first): chrX-25010267-CG-C. GRCh37 (hg19) VCF-style: chrX-25028384-CG-C.
Other names: short protein forms R371fs.
Identifiers: ClinVar variation 2059968 (VCV002059968.4), dbSNP rs2519104168, ClinGen allele CA2580100526.

ClinVar aggregate classification (germline): Pathogenic (1 of 4 stars; one submission).

Conditions:
Developmental and epileptic encephalopathy, 1 (DEE1). Also called: INFANTILE SPASM SYNDROME, X-LINKED 1; X-linked infantile spasms; West's syndrome; Tonic spasms with clustering, arrest of psychomotor development and hypsarrhythmia on EEG; X-Linked Infantile Spasm Syndrome; OHTAHARA SYNDROME, X-LINKED. Identifiers: MedGen C3463992, MONDO:0010632, OMIM 308350. Disease mechanism: loss of function.
Intellectual disability, X-linked, with or without seizures, ARX-related. Also called: INTELLECTUAL DEVELOPMENTAL DISORDER, X-LINKED 29; Mental retardation, X-linked 52; MENTAL RETARDATION, X-LINKED 29; MENTAL RETARDATION, X-LINKED 32; MENTAL RETARDATION, X-LINKED 33; MENTAL RETARDATION, X-LINKED 38. Identifiers: Orphanet 777, MedGen C0796244, MONDO:0010317, OMIM 300419.

Submission:

Labcorp Genetics (formerly Invitae), Labcorp
Classification: Pathogenic for Developmental and epileptic encephalopathy, 1; Intellectual disability, X-linked, with or without seizures, ARX-related. Last evaluated: 2021-12-25. Review status: criteria provided, single submitter. Criteria: Invitae Variant Classification Sherloc (09022015). Collection method: clinical testing. Allele origin: germline.
Comment: For these reasons, this variant has been classified as Pathogenic. This variant has not been reported in the literature in individuals affected with ARX-related conditions. This variant is not present in population databases (gnomAD no frequency). This sequence change creates a premature translational stop signal (p.Arg371Glufs*92) in the ARX gene. It is expected to result in an absent or disrupted protein product. Loss-of-function variants in ARX are known to be pathogenic (PMID: 19439424, 19738637).

Literature cited by the submitters: PubMed 19439424; PubMed 19738637.